The following is an entry in ClinVar:

ClinVar aggregate classification (germline): Uncertain significance. Review status: criteria provided, multiple submitters, no conflicts (2 of 4 stars). 2 submissions from 2 submitters: Uncertain significance (2). Last evaluated 2024-07-24.

Conditions:
Cardiovascular phenotype. Identifiers: MedGen CN230736.
Long QT syndrome (LQTS). Identifiers: MedGen C0023976, MeSH D008133, MONDO:0002442. Disease mechanism: loss of function. Inheritance: Various modes of inheritance.

Allele frequency attached by ClinVar (database versions not stated): gnomAD exomes 0.00001.

Submissions (2):

Labcorp Genetics (formerly Invitae), Labcorp
Classification: Uncertain significance for Long QT syndrome. Last evaluated: 2024-07-24. Review status: criteria provided, single submitter. Criteria: Invitae Variant Classification Sherloc (09022015). Collection method: clinical testing. Allele origin: germline.
Comment: This sequence change replaces aspartic acid, which is acidic and polar, with valine, which is neutral and non-polar, at codon 2907 of the ANK2 protein (p.Asp2907Val). This variant is present in population databases (rs759688704, gnomAD 0.003%). This variant has not been reported in the literature in individuals affected with ANK2-related conditions. ClinVar contains an entry for this variant (Variation ID: 1764449). An algorithm developed to predict the effect of missense changes on protein structure and function (PolyPhen-2) suggests that this variant is likely to be disruptive. In summary, the available evidence is currently insufficient to determine the role of this variant in disease. Therefore, it has been classified as a Variant of Uncertain Significance.

Ambry Genetics
Classification: Uncertain significance for Cardiovascular phenotype. Last evaluated: 2021-11-03. Review status: criteria provided, single submitter. Criteria: Ambry Variant Classification Scheme 2023. Collection method: clinical testing. Allele origin: germline.
Comment: The p.D2907V variant (also known as c.8720A>T), located in coding exon 38 of the ANK2 gene, results from an A to T substitution at nucleotide position 8720. The aspartic acid at codon 2907 is replaced by valine, an amino acid with highly dissimilar properties. This amino acid position is not well conserved in available vertebrate species. In addition, this alteration is predicted to be tolerated by in silico analysis. Since supporting evidence is limited at this time, the clinical significance of this alteration remains unclear.

NM_001148.6(ANK2):c.8720A>T (p.Asp2907Val)

Gene: ANK2 (ankyrin 2; plus strand). Cytogenetic location: 4q26.
Variant type: single nucleotide variant.
Coding change: c.8720A>T on transcript NM_001148.6 (MANE Select); coding-DNA position 8720, A replaced by T.
Protein change: p.Asp2907Val; replaces aspartic acid 2907 with valine.
Molecular consequence: missense variant. On other transcripts: intron variant (68).
Genome position (GRCh38, 1-based): chr4:113,357,338, A>T. VCF-style: chr4-113357338-A-T. GRCh37 (hg19) VCF-style: chr4-114278494-A-T.
Other names: c.8486A>T, p.Asp2829Val (NM_001386142.1); c.5120A>T, p.Asp1707Val (NM_001386166.1); c.8861A>T, p.Asp2954Val (NM_001386174.1); c.8837A>T, p.Asp2946Val (NM_001386175.1); c.4412-3485A>T (NM_001386186.2, NM_001386148.2); c.4214-3485A>T (NM_001354269.3); c.4292-3485A>T (NM_001386187.2); c.4253-3485A>T (NM_001386147.1); and 35 more; short protein forms D1707V, D2946V, D2829V, D2907V, D2954V.
Identifiers: ClinVar variation 1764449 (VCV001764449.4), dbSNP rs759688704, ClinGen allele CA3051819.